The following is an entry in ClinVar:

ClinVar aggregate classification (germline): Conflicting classifications of pathogenicity. Review status: criteria provided, conflicting classifications (1 of 4 stars). 3 submissions from 3 submitters: Uncertain significance (1); Likely benign (2). Last evaluated 2025-12-18.

Conditions:
H1-4-related disorder. Also called: H1-4-related condition.

gnomAD v4.1: 289 of 1,610,868 alleles (0.018%); highest among the groups gnomAD compares: Non-Finnish European, 0.023%; no homozygotes.

Submissions (3):

PreventionGenetics, part of Exact Sciences
Classification: Uncertain significance for H1-4-related condition. Last evaluated: 2025-12-18. Review status: criteria provided, single submitter. Criteria: ACMG Guidelines, 2015. Collection method: clinical testing. Allele origin: germline.
Comment: The H1-4 c.55C>T variant is predicted to result in the amino acid substitution p.Pro19Ser. To our knowledge, this variant has not been reported in the literature. This variant is reported in 0.017% of alleles in individuals of European (Non-Finnish) descent in gnomAD (25 heterozygotes), which suggests this variant is more likely to be benign than pathogenic for an autosomal dominant condition. In ClinVar, this variant is interpreted as likely benign. Although we suspect that this variant may be benign, at this time, the clinical significance of this variant is uncertain due to the absence of conclusive functional and genetic evidence.

CeGaT Center for Human Genetics Tuebingen
Classification: Likely benign. Last evaluated: 2024-09-01. Review status: criteria provided, single submitter. Criteria: CeGaT Center For Human Genetics Tuebingen Variant Classification Criteria Version 2. Collection method: clinical testing. Allele origin: germline. Affected: yes. Observed: 2 variant alleles.
Comment: H1-4: BS2

Ambry Genetics
Classification: Likely benign. Last evaluated: 2022-06-21. Review status: criteria provided, single submitter. Criteria: Ambry Variant Classification Scheme 2023. Collection method: clinical testing. Allele origin: germline.

NM_005321.3(H1-4):c.55C>T (p.Pro19Ser)

Gene: H1-4 (H1.4 linker histone, cluster member; plus strand). Cytogenetic location: 6p22.2.
Variant type: single nucleotide variant.
Coding change: c.55C>T on transcript NM_005321.3 (MANE Select); coding-DNA position 55, C replaced by T.
Protein change: p.Pro19Ser; replaces proline 19 with serine.
Molecular consequence: missense variant.
Genome position (GRCh38, 1-based): chr6:26,156,445, C>T. VCF-style: chr6-26156445-C-T. GRCh37 (hg19) VCF-style: chr6-26156673-C-T.
Other names: c.55C>T (NM_005321.2); short protein forms P19S.
Identifiers: ClinVar variation 3025591 (VCV003025591.24), dbSNP rs541308925, ClinGen allele CA3667853.